The following is an entry in ClinVar:

NM_001365276.2(TNXB):c.528T>A (p.Pro176=)

Gene: TNXB (tenascin XB; minus strand). Cytogenetic location: 6p21.33.
Variant type: single nucleotide variant.
Coding change: c.528T>A on transcript NM_001365276.2 (MANE Select); coding-DNA position 528, T replaced by A.
Protein change: p.Pro176=; no amino-acid change (proline 176 retained).
Molecular consequence: synonymous variant.
Genome position (GRCh38, 1-based): chr6:32,097,325, A>T on the plus strand (T>A on the coding strand, the complement: TNXB is on the minus strand). VCF-style: chr6-32097325-A-T. GRCh37 (hg19) VCF-style: chr6-32065102-A-T.
Other names: c.528T>A, p.Pro176= (NM_001428335.1, NM_019105.8).
Identifiers: ClinVar variation 3905765 (VCV003905765.10).

ClinVar aggregate classification (germline): Likely benign (1 of 4 stars; one submission).

Submission:

CeGaT Center for Human Genetics Tuebingen
Classification: Likely benign. Last evaluated: 2025-05-01. Review status: criteria provided, single submitter. Criteria: CeGaT Center For Human Genetics Tuebingen Variant Classification Criteria Version 2. Collection method: clinical testing. Allele origin: germline. Affected: yes. Observed: 1 variant allele.
Comment: TNXB: PM2:Supporting, BP4, BP7